The following is an entry in ClinVar:

NC_000001.10:g.(?_196918585)_(197742062_?)del

Genes: ASPM (assembly factor for spindle microtubules; minus strand), CFHR2 (complement factor H related 2; plus strand), DENND1B (DENN domain containing 1B; minus strand), ZBTB41 (zinc finger and BTB domain containing 41; minus strand), F13B (coagulation factor XIII B chain; minus strand) and 2 more. Cytogenetic location: 1q31.3.
Variant type: Deletion.
Identifiers: ClinVar variation 1076360 (VCV001076360.1).

ClinVar aggregate classification (germline): Pathogenic (1 of 4 stars; one submission).

Conditions:
Retinitis pigmentosa 12 (RP12). Also called: RP WITH OR WITHOUT PPRPE; RP WITH OR WITHOUT PRESERVED PARAARTERIOLE RETINAL PIGMENT EPITHELIUM; RETINITIS PIGMENTOSA WITH OR WITHOUT PARAARTERIOLAR PRESERVATION OF RETINAL PIGMENT EPITHELIUM. Identifiers: Orphanet 791, MedGen C1838647, MONDO:0010818, OMIM 600105.
Leber congenital amaurosis 8 (LCA8). Identifiers: Orphanet 65, MedGen C3151202, MONDO:0013453, OMIM 613835.

Submission:

Labcorp Genetics (formerly Invitae), Labcorp
Classification: Pathogenic for Leber congenital amaurosis 8; Retinitis pigmentosa 12. Last evaluated: 2020-06-02. Review status: criteria provided, single submitter. Criteria: Invitae Variant Classification Sherloc (09022015). Collection method: clinical testing. Allele origin: germline.
Comment: A gross deletion of the genomic region encompassing the full coding sequence of the CRB1 gene has been identified. The boundaries of this event are unknown as the deletion extends beyond the assayed region for this gene and therefore may encompass additional genes. This variant has been observed in an individual affected with CRB1-related conditions (PMID: 17964524). Loss-of-function variants in CRB1 are known to be pathogenic (PMID: 10508521, 22065545, 23379534, 25412400, 26957898, 28041643, 29391521). For these reasons, this variant has been classified as Pathogenic.

Literature cited by the submitters: PubMed 17964524; PubMed 10508521; PubMed 22065545; PubMed 23379534; PubMed 25412400; PubMed 26957898; PubMed 28041643; PubMed 29391521.